The following is an entry in ClinVar:

ClinVar aggregate classification (germline): Uncertain significance (1 of 4 stars; one submission).

Conditions:
Muscular dystrophy-dystroglycanopathy type B6 (MDDGB6). Also called: MUSCULAR DYSTROPHY-DYSTROGLYCANOPATHY (CONGENITAL WITH IMPAIRED INTELLECTUAL DEVELOPMENT), TYPE B, 6; MUSCULAR DYSTROPHY, CONGENITAL, LARGE-RELATED; MUSCULAR DYSTROPHY, CONGENITAL, TYPE 1D. Identifiers: MedGen C1837229, MONDO:0012138, OMIM 608840.

Allele frequency attached by ClinVar (database versions not stated): ESP Exome Variant Server 0.00008.
gnomAD v4.1: 4 of 1,614,148 alleles (0.00025%); highest among the groups gnomAD compares: South Asian, 0.0011%; no homozygotes.

Submission:

Labcorp Genetics (formerly Invitae), Labcorp
Classification: Uncertain significance for Muscular dystrophy-dystroglycanopathy type B6. Last evaluated: 2022-06-27. Review status: criteria provided, single submitter. Criteria: Invitae Variant Classification Sherloc (09022015). Collection method: clinical testing. Allele origin: germline.
Comment: This sequence change replaces alanine, which is neutral and non-polar, with serine, which is neutral and polar, at codon 320 of the LARGE1 protein (p.Ala320Ser). This variant is present in population databases (rs374774937, gnomAD 0.007%). In summary, the available evidence is currently insufficient to determine the role of this variant in disease. Therefore, it has been classified as a Variant of Uncertain Significance. Algorithms developed to predict the effect of missense changes on protein structure and function are either unavailable or do not agree on the potential impact of this missense change (SIFT: "Deleterious"; PolyPhen-2: "Possibly Damaging"; Align-GVGD: "Class C0"). This variant has not been reported in the literature in individuals affected with LARGE1-related conditions.

NM_133642.5(LARGE1):c.958G>T (p.Ala320Ser)

Gene: LARGE1 (LARGE xylosyl- and glucuronyltransferase 1; minus strand). Cytogenetic location: 22q12.3.
Variant type: single nucleotide variant.
Coding change: c.958G>T on transcript NM_133642.5 (MANE Select); coding-DNA position 958, G replaced by T.
Protein change: p.Ala320Ser; replaces alanine 320 with serine.
Molecular consequence: missense variant.
Genome position (GRCh38, 1-based): chr22:33,384,239, C>A on the plus strand (G>T on the coding strand, the complement: LARGE1 is on the minus strand). VCF-style: chr22-33384239-C-A. GRCh37 (hg19) VCF-style: chr22-33780225-C-A.
Other names: c.958G>T, p.Ala320Ser (NM_001362949.2, NM_001362951.2, NM_001362953.2 and 7 more transcripts); c.355G>T, p.Ala119Ser (NM_001378630.1, NM_001378631.1); short protein forms A320S, A119S.
Identifiers: ClinVar variation 1509526 (VCV001509526.6), dbSNP rs374774937, ClinGen allele CA10202896.